The following is an entry in ClinVar:

NM_004168.4(SDHA):c.540T>A (p.Phe180Leu)

Gene: SDHA (succinate dehydrogenase complex flavoprotein subunit A; plus strand). Cytogenetic location: 5p15.33.
Variant type: single nucleotide variant.
Coding change: c.540T>A on transcript NM_004168.4 (MANE Select); coding-DNA position 540, T replaced by A.
Protein change: p.Phe180Leu; replaces phenylalanine 180 with leucine.
Molecular consequence: missense variant.
Genome position (GRCh38, 1-based): chr5:225,966, T>A. VCF-style: chr5-225966-T-A. GRCh37 (hg19) VCF-style: chr5-226081-T-A.
Other names: c.396T>A, p.Phe132Leu (NM_001294332.2); c.540T>A, p.Phe180Leu (NM_001330758.2); short protein forms F132L, F180L.
Identifiers: ClinVar variation 3223749 (VCV003223749.1), dbSNP rs2126549842, ClinGen allele CA359010308.

ClinVar aggregate classification (germline): Uncertain significance (1 of 4 stars; one submission).

Conditions:
Hereditary cancer-predisposing syndrome. Also called: Tumor predisposition; Hereditary neoplastic syndrome; Hereditary Cancer Syndrome; Neoplastic Syndromes, Hereditary. Identifiers: Orphanet 140162, MedGen C0027672, MeSH D009386, MONDO:0015356.

Submission:

Ambry Genetics
Classification: Uncertain significance for Hereditary cancer-predisposing syndrome. Last evaluated: 2024-03-01. Review status: criteria provided, single submitter. Criteria: Ambry Variant Classification Scheme 2023. Collection method: clinical testing. Allele origin: germline.
Comment: The p.F180L variant (also known as c.540T>A), located in coding exon 5 of the SDHA gene, results from a T to A substitution at nucleotide position 540. The phenylalanine at codon 180 is replaced by leucine, an amino acid with highly similar properties. This amino acid position is well conserved in available vertebrate species. In addition, this alteration is predicted to be tolerated by in silico analysis. Based on the available evidence, the clinical significance of this alteration remains unclear.